The following is an entry in ClinVar:

NM_001267550.2(TTN):c.42934G>A (p.Val14312Ile)

Gene: TTN (titin; minus strand). Cytogenetic location: 2q31.2.
Variant type: single nucleotide variant.
Coding change: c.42934G>A on transcript NM_001267550.2 (MANE Select); coding-DNA position 42934, G replaced by A.
Protein change: p.Val14312Ile; replaces valine 14312 with isoleucine.
Molecular consequence: missense variant.
Genome position (GRCh38, 1-based): chr2:178,633,425, C>T on the plus strand (G>A on the coding strand, the complement: TTN is on the minus strand). VCF-style: chr2-178633425-C-T. GRCh37 (hg19) VCF-style: chr2-179498152-C-T.
Other names: p.V12671I:GTT>ATT; c.38011G>A, p.Val12671Ile (NM_001256850.1); c.15739G>A, p.Val5247Ile (NM_003319.4); c.35230G>A, p.Val11744Ile (NM_133378.4); c.16114G>A, p.Val5372Ile (NM_133432.3); c.16315G>A, p.Val5439Ile (NM_133437.4); short protein forms V12671I, V14312I, V5247I, V5439I, V5372I, V11744I.
Identifiers: ClinVar variation 202627 (VCV000202627.2), dbSNP rs794729429, ClinGen allele CA309799.

ClinVar aggregate classification (germline): Uncertain significance (1 of 4 stars; one submission).

Allele frequency attached by ClinVar (database versions not stated): gnomAD exomes below 0.00001 and 0.00001; gnomAD 0.00001.
gnomAD v4.1: 18 of 1,613,262 alleles (0.0011%); highest among the groups gnomAD compares: East Asian, 0.0022%; no homozygotes.

Submission:

GeneDx
Classification: Uncertain significance. Last evaluated: 2013-01-07. Review status: criteria provided, single submitter. Criteria: GeneDx Variant Classification (06012015). Collection method: clinical testing. Allele origin: germline. Affected: yes.
Comment: Missense variants in the TTN gene are considered 'unclassified' if they are not previously reported in the literature and do not have >1% frequency in the population to be considered a polymorphism. Research indicates that truncating mutations in the TTN gene are expected to account for approximately 25% of familial and 18% of sporadic idiopathic DCM; however, truncating variants in the TTN gene have been reported in approximately 3% of reported control alleles. There has been little investigation into non-truncating variants. (Herman D et al. Truncations of titin causing dilated cardiomyopathy. N Eng J Med 366:619-628, 2012) The variant is found in DCM panel(s).